The following is an entry in ClinVar:

ClinVar aggregate classification (germline): Likely benign. Review status: criteria provided, multiple submitters, no conflicts (2 of 4 stars). 2 submissions from 2 submitters: Likely benign (2). Last evaluated 2025-11-11.

Conditions:
ARHGAP24-related disorder. Also called: ARHGAP24-related condition.

gnomAD v4.1: 37 of 1,613,902 alleles (0.0023%); highest among the groups gnomAD compares: South Asian, 0.0088%; no homozygotes.

Submissions (2):

PreventionGenetics, part of Exact Sciences
Classification: Likely benign for ARHGAP24-related condition. Last evaluated: 2025-11-11. Review status: criteria provided, single submitter. Criteria: ACMG Guidelines, 2015. Collection method: clinical testing. Allele origin: germline.
Comment: This variant is classified as likely benign based on ACMG/AMP sequence variant interpretation guidelines (Richards et al. 2015 PMID: 25741868, with internal and published modifications).

Labcorp Genetics (formerly Invitae), Labcorp
Classification: Likely benign. Last evaluated: 2025-02-11. Review status: criteria provided, single submitter. Criteria: Invitae Variant Classification Sherloc (09022015). Collection method: clinical testing. Allele origin: germline.

NM_001025616.3(ARHGAP24):c.1422G>A (p.Thr474=)

Gene: ARHGAP24 (Rho GTPase activating protein 24; plus strand). Cytogenetic location: 4q21.23.
Variant type: single nucleotide variant.
Coding change: c.1422G>A on transcript NM_001025616.3 (MANE Select); coding-DNA position 1422, G replaced by A.
Protein change: p.Thr474=; no amino-acid change (threonine 474 retained).
Molecular consequence: synonymous variant.
Genome position (GRCh38, 1-based): chr4:85,995,076, G>A. VCF-style: chr4-85995076-G-A. GRCh37 (hg19) VCF-style: chr4-86916229-G-A.
Other names: c.843G>A, p.Thr281= (NM_001346093.2); c.1143G>A, p.Thr381= (NM_031305.3); c.1137G>A, p.Thr379= (NM_001042669.2); c.1167G>A, p.Thr389= (NM_001287805.2); c.1422G>A (NM_001025616.2).
Identifiers: ClinVar variation 4692839 (VCV004692839.2).